The following is an entry in ClinVar:

NM_001035.3(RYR2):c.4121A>T (p.Lys1374Ile)

Genes: RYR2 (ryanodine receptor 2; plus strand), LOC126806067 (BRD4-independent group 4 enhancer GRCh37_chr1:237753258-237754457; plus strand). Cytogenetic location: 1q43.
Variant type: single nucleotide variant.
Coding change: c.4121A>T on transcript NM_001035.3 (MANE Select); coding-DNA position 4121, A replaced by T.
Protein change: p.Lys1374Ile; replaces lysine 1374 with isoleucine.
Molecular consequence: missense variant.
Genome position (GRCh38, 1-based): chr1:237,590,953, A>T. VCF-style: chr1-237590953-A-T. GRCh37 (hg19) VCF-style: chr1-237754253-A-T.
Other names: short protein forms K1374I.
Identifiers: ClinVar variation 3633792 (VCV003633792.2).

ClinVar aggregate classification (germline): Uncertain significance (1 of 4 stars; one submission).

Conditions:
Catecholaminergic polymorphic ventricular tachycardia 1. Also called: VENTRICULAR TACHYCARDIA, CATECHOLAMINERGIC POLYMORPHIC, 1, WITH OR WITHOUT ATRIAL DYSFUNCTION AND/OR DILATED CARDIOMYOPATHY; RYR2-Related Catecholaminergic Polymorphic Ventricular Tachycardia; VENTRICULAR TACHYCARDIA, STRESS-INDUCED POLYMORPHIC 1. Identifiers: Orphanet 3286, MedGen C1631597, MONDO:0011484, OMIM 604772.

Submission:

Labcorp Genetics (formerly Invitae), Labcorp
Classification: Uncertain significance for Catecholaminergic polymorphic ventricular tachycardia 1. Last evaluated: 2024-03-16. Review status: criteria provided, single submitter. Criteria: Invitae Variant Classification Sherloc (09022015). Collection method: clinical testing. Allele origin: germline.
Comment: This sequence change replaces lysine, which is basic and polar, with isoleucine, which is neutral and non-polar, at codon 1374 of the RYR2 protein (p.Lys1374Ile). This variant is not present in population databases (gnomAD no frequency). This variant has not been reported in the literature in individuals affected with RYR2-related conditions. Advanced modeling of protein sequence and biophysical properties (such as structural, functional, and spatial information, amino acid conservation, physicochemical variation, residue mobility, and thermodynamic stability) performed at Invitae indicates that this missense variant is expected to disrupt RYR2 protein function with a positive predictive value of 95%. In summary, the available evidence is currently insufficient to determine the role of this variant in disease. Therefore, it has been classified as a Variant of Uncertain Significance.